The following is an entry in ClinVar:

ClinVar aggregate classification (germline): Uncertain significance (1 of 4 stars; one submission).

Submission:

Labcorp Genetics (formerly Invitae), Labcorp
Classification: Uncertain significance. Last evaluated: 2022-02-28. Review status: criteria provided, single submitter. Criteria: Invitae Variant Classification Sherloc (09022015). Collection method: clinical testing. Allele origin: germline.
Comment: This sequence change creates a premature translational stop signal (p.Ser39Metfs*25) in the COL18A1 gene. However, it is currently unclear if variants that occur in this region of the gene cause disease. The COL18A1 gene has multiple clinically relevant transcripts. This variant occurs in alternate transcript NM_030582.3, and corresponds to NM_130445.3:c.107-12596_107-12593del in the primary transcript. This variant is not present in population databases (gnomAD no frequency). This variant has not been reported in the literature in individuals affected with COL18A1-related conditions. Experimental studies and prediction algorithms are not available or were not evaluated, and the functional significance of this variant is currently unknown. In summary, the available evidence is currently insufficient to determine the role of this variant in disease. Therefore, it has been classified as a Variant of Uncertain Significance.

NM_001379500.1(COL18A1):c.107-12596_107-12593del

Gene: COL18A1 (collagen type XVIII alpha 1 chain; plus strand). Cytogenetic location: 21q22.3.
Variant type: Deletion.
Coding change: c.107-12596_107-12593del on transcript NM_001379500.1 (MANE Select); 12596 bases into the intron before coding-DNA position 107 through 12593 bases into the intron before coding-DNA position 107, 4 bases deleted (GCCA; older notation c.107-12596_107-12593delGCCA).
Molecular consequence: intron variant. On other transcripts: frameshift variant (2).
Genome position (GRCh38, 1-based): chr21:45,455,646-45,455,649, GCCA deleted; deleting any 4 consecutive bases within chr21:45,455,643-45,455,649 gives the same sequence; the c. name uses the placement nearest the transcript's 3' end. VCF-style (leftmost placement, unchanged base first): chr21-45455642-ACCAG-A. GRCh37 (hg19) VCF-style: chr21-46875556-ACCAG-A.
Other names: c.116_119del, p.Ser39fs (NM_030582.4, NM_130444.3); short protein forms S39fs.
Identifiers: ClinVar variation 1401462 (VCV001401462.3), dbSNP rs1184675333, ClinGen allele CA749778491.